The following is an entry in ClinVar:

NM_004304.5(ALK):c.1625C>G (p.Pro542Arg)

Gene: ALK (ALK receptor tyrosine kinase; minus strand). Cytogenetic location: 2p23.2.
Variant type: single nucleotide variant.
Coding change: c.1625C>G on transcript NM_004304.5 (MANE Select); coding-DNA position 1625, C replaced by G.
Protein change: p.Pro542Arg; replaces proline 542 with arginine.
Molecular consequence: missense variant.
Genome position (GRCh38, 1-based): chr2:29,318,326, G>C on the plus strand (C>G on the coding strand, the complement: ALK is on the minus strand). VCF-style: chr2-29318326-G-C. GRCh37 (hg19) VCF-style: chr2-29541192-G-C.
Other names: short protein forms P542R.
Identifiers: ClinVar variation 2151222 (VCV002151222.4), dbSNP rs372456536, ClinGen allele CA346470957.

ClinVar aggregate classification (germline): Uncertain significance (1 of 4 stars; one submission).

Conditions:
Neuroblastoma, susceptibility to, 3. Also called: ALK-Related Neuroblastic Tumor Susceptibility. Identifiers: Orphanet 635, MedGen C2751681, MONDO:0013083, OMIM 613014.

gnomAD v4.1: 2 of 1,613,594 alleles (0.00012%); highest among the groups gnomAD compares: Middle Eastern, 0.016%; no homozygotes.

Submission:

Labcorp Genetics (formerly Invitae), Labcorp
Classification: Uncertain significance for Neuroblastoma, susceptibility to, 3. Last evaluated: 2022-03-12. Review status: criteria provided, single submitter. Criteria: Invitae Variant Classification Sherloc (09022015). Collection method: clinical testing. Allele origin: germline.
Comment: This sequence change replaces proline, which is neutral and non-polar, with arginine, which is basic and polar, at codon 542 of the ALK protein (p.Pro542Arg). This variant is not present in population databases (gnomAD no frequency). In summary, the available evidence is currently insufficient to determine the role of this variant in disease. Therefore, it has been classified as a Variant of Uncertain Significance. Algorithms developed to predict the effect of missense changes on protein structure and function (SIFT, PolyPhen-2, Align-GVGD) all suggest that this variant is likely to be disruptive. This variant has not been reported in the literature in individuals affected with ALK-related conditions.